The following is an entry in ClinVar:

ClinVar aggregate classification (germline): Benign (0 of 4 stars; one submission).

Conditions:
MYOM2-related disorder. Also called: MYOM2-related condition.

Allele frequency attached by ClinVar (database versions not stated): ExAC 0.00305; 1000 Genomes Project 0.01098; TOPMed 0.01144; ESP Exome Variant Server 0.01199; 1000 Genomes Project 30x 0.01218.
gnomAD v4.1: 3,055 of 1,614,150 alleles (0.19%); highest among the groups gnomAD compares: African/African-American, 3.6%; 44 homozygotes.

Submission:

PreventionGenetics, part of Exact Sciences
Classification: Benign for MYOM2-related condition. Last evaluated: 2019-03-15. Review status: no assertion criteria provided. Collection method: clinical testing. Allele origin: germline.
Comment: This variant is classified as benign based on ACMG/AMP sequence variant interpretation guidelines (Richards et al. 2015 PMID: 25741868, with internal and published modifications).

NM_003970.4(MYOM2):c.3852G>C (p.Glu1284Asp)

Gene: MYOM2 (myomesin 2; plus strand). Cytogenetic location: 8p23.3.
Variant type: single nucleotide variant.
Coding change: c.3852G>C on transcript NM_003970.4 (MANE Select); coding-DNA position 3852, G replaced by C.
Protein change: p.Glu1284Asp; replaces glutamic acid 1284 with aspartic acid.
Molecular consequence: missense variant.
Genome position (GRCh38, 1-based): chr8:2,140,774, G>C. VCF-style: chr8-2140774-G-C. GRCh37 (hg19) VCF-style: chr8-2088697-G-C.
Other names: short protein forms E1284D.
Identifiers: ClinVar variation 3044512 (VCV003044512.2), dbSNP rs34735757, ClinGen allele CA170466414.
Genomic context (GRCh38, chr8:2,140,774, plus strand): 5'-CTTTTCAAGAGATGCTAAGATCTCATCCAGTGAGCATATGAGAATCGGGGGGAGTGAAGA[G>C]ATGGCTTGGCTGCAGATATGTGAGCCGACTGAGAAGGATAAAGGAAAATACACTTTTGAG-3'
Protein context (NP_003961.3, residues 1274-1294): SEHMRIGGSE[Glu1284Asp]MAWLQICEPT